The following is an entry in ClinVar:

ClinVar aggregate classification (germline): Conflicting classifications of pathogenicity. Review status: criteria provided, conflicting classifications (1 of 4 stars). 6 submissions from 6 submitters: Uncertain significance (3); Likely benign (2). 1 of the submissions does not count toward it. Last evaluated 2026-02-02.

Conditions:
AGRN-related disorder. Also called: AGRN-related condition.
Congenital myasthenic syndrome 8. Also called: Myasthenic syndrome, congenital, 8, with pre- and postsynaptic defects; MYASTHENIC SYNDROME, CONGENITAL, DUE TO AGRIN DEFICIENCY. Identifiers: Orphanet 590, MedGen C3808739, MONDO:0014052, OMIM 615120.

Allele frequency attached by ClinVar (database versions not stated): gnomAD exomes 0.00013 and 0.00028; ExAC 0.00040; ESP Exome Variant Server 0.00093; 1000 Genomes Project 30x 0.00109; gnomAD 0.00110 and 0.00119; 1000 Genomes Project 0.00120; TOPMed 0.00130.
gnomAD v4.1: 362 of 1,607,190 alleles (0.023%); highest among the groups gnomAD compares: African/African-American, 0.37%; no homozygotes.

Submissions (7):

Labcorp Genetics (formerly Invitae), Labcorp
Classification: Likely benign for Congenital myasthenic syndrome 8. Last evaluated: 2026-02-02. Review status: criteria provided, single submitter. Criteria: Invitae Variant Classification Sherloc (09022015). Collection method: clinical testing. Allele origin: germline.

Women's Health and Genetics/Laboratory Corporation of America, LabCorp
Classification: Likely benign. Last evaluated: 2025-09-30. Review status: criteria provided, single submitter. Criteria: LabCorp Variant Classification Summary - May 2015. Collection method: clinical testing. Allele origin: germline.
Comment: Variant summary: AGRN c.1570C>T (p.Arg524Trp) results in a non-conservative amino acid change in the encoded protein sequence. Algorithms developed to predict the effect of missense changes on protein structure and function are either unavailable or do not agree on the potential impact of this missense change. The variant allele was found at a frequency of 0.00028 in 235044 control chromosomes, predominantly at a frequency of 0.0034 within the African or African-American subpopulation in the gnomAD database. The observed variant frequency within African or African-American control individuals in the gnomAD database exceeds the estimated maximal expected allele frequency for disease-causing variants in AGRN. To our knowledge, no occurrence of c.1570C>T in individuals affected with AGRN-related conditions and no experimental evidence demonstrating its impact on protein function have been reported. ClinVar contains an entry for this variant (Variation ID: 446814). Based on the evidence outlined above, the variant was classified as likely benign.

Revvity Omics, Revvity
Classification: Uncertain significance for Congenital myasthenic syndrome 8. Last evaluated: 2025-06-19. Review status: criteria provided, single submitter. Criteria: ACMG Guidelines, 2015. Collection method: clinical testing. Allele origin: germline.

Mayo Clinic Laboratories, Mayo Clinic
Classification: Uncertain significance. Last evaluated: 2025-03-05. Review status: criteria provided, single submitter. Criteria: ACMG Guidelines, 2015. Collection method: clinical testing. Allele origin: germline. Observed: 1 variant allele.
Comment: BP4

Athena Diagnostics
Classification: Uncertain significance. Last evaluated: 2016-10-12. Review status: criteria provided, single submitter. Criteria: Athena Diagnostics Criteria. Collection method: clinical testing. Allele origin: germline.

PreventionGenetics, part of Exact Sciences
Classification: Likely benign for AGRN-related condition. Last evaluated: 2020-07-20. Review status: no assertion criteria provided. Collection method: clinical testing. Allele origin: germline. Not counted in ClinVar's aggregate classification.
Comment: This variant is classified as likely benign based on ACMG/AMP sequence variant interpretation guidelines (Richards et al. 2015 PMID: 25741868, with internal and published modifications).

Dr. Peter K. Rogan Lab, Western University
No classification provided (evidence only). Condition: Ovarian serous cystadenocarcinoma. Review status: no classification provided. Collection method: in vitro. Allele origin: not applicable. Functional consequence: retained intron. Not counted in ClinVar's aggregate classification.

NM_198576.4(AGRN):c.1570C>T (p.Arg524Trp)

Gene: AGRN (agrin; plus strand). Cytogenetic location: 1p36.33.
Variant type: single nucleotide variant.
Coding change: c.1570C>T on transcript NM_198576.4 (MANE Select); coding-DNA position 1570, C replaced by T.
Protein change: p.Arg524Trp; replaces arginine 524 with tryptophan.
Molecular consequence: missense variant.
Genome position (GRCh38, 1-based): chr1:1,043,424, C>T. VCF-style: chr1-1043424-C-T. GRCh37 (hg19) VCF-style: chr1-978804-C-T.
Other names: c.1570C>T (LRG_198t1); c.1570C>T, p.Arg524Trp (NM_001305275.2); c.1255C>T, p.Arg419Trp (NM_001364727.2); short protein forms R524W, R419W.
Identifiers: ClinVar variation 446814 (VCV000446814.18), dbSNP rs144164397, ClinGen allele CA508230.
Genomic context (GRCh38, chr1:1,043,424, plus strand): 5'-AGCGACGGCGTCACATACGGCAGCGCGTGCGAGCTGGAGGCCACGGCCTGTACCCTCGGG[C>T]GGGAGATCCAGGTGGCGCGCAAAGGACCCTGTGGTCAGTGGCGGGTGAGGGGTCTGGTGG-3'
Protein context (NP_940978.2, residues 514-534): ELEATACTLG[Arg524Trp]EIQVARKGPC